The following is an entry in ClinVar:

ClinVar aggregate classification (germline): Uncertain significance (1 of 4 stars; one submission).

Conditions:
Cardiovascular phenotype. Identifiers: MedGen CN230736.

Submission:

Ambry Genetics
Classification: Uncertain significance for Cardiovascular phenotype. Last evaluated: 2023-06-16. Review status: criteria provided, single submitter. Criteria: Ambry Variant Classification Scheme 2023. Collection method: clinical testing. Allele origin: germline.
Comment: The p.F21V variant (also known as c.61T>G), located in coding exon 2 of the MYL2 gene, results from a T to G substitution at nucleotide position 61. The phenylalanine at codon 21 is replaced by valine, an amino acid with highly similar properties. This amino acid position is conserved. In addition, this alteration is predicted to be deleterious by in silico analysis. Since supporting evidence is limited at this time, the clinical significance of this alteration remains unclear.

NM_000432.4(MYL2):c.61T>G (p.Phe21Val)

Genes: MYL2 (myosin light chain 2; minus strand), LOC114827850 (VISTA enhancer hs2149; plus strand). Cytogenetic location: 12q24.11.
Variant type: single nucleotide variant.
Coding change: c.61T>G on transcript NM_000432.4 (MANE Select); coding-DNA position 61, T replaced by G.
Protein change: p.Phe21Val; replaces phenylalanine 21 with valine.
Molecular consequence: missense variant.
Genome position (GRCh38, 1-based): chr12:110,919,136, A>C on the plus strand (T>G on the coding strand, the complement: MYL2 is on the minus strand). VCF-style: chr12-110919136-A-C. GRCh37 (hg19) VCF-style: chr12-111356940-A-C.
Other names: c.61T>G, p.Phe21Val (NM_001406745.1, NM_001406746.1); c.4T>G, p.Phe2Val (NM_001406916.1); short protein forms F21V, F2V.
Identifiers: ClinVar variation 2587155 (VCV002587155.2), dbSNP rs2499814919, ClinGen allele CA386700261.